The following is an entry in ClinVar:

NM_001379451.1(BCORL1):c.697C>T (p.His233Tyr)

Gene: BCORL1 (BCL6 corepressor like 1; plus strand). Cytogenetic location: Xq26.1.
Variant type: single nucleotide variant.
Coding change: c.697C>T on transcript NM_001379451.1 (MANE Select); coding-DNA position 697, C replaced by T.
Protein change: p.His233Tyr; replaces histidine 233 with tyrosine.
Molecular consequence: missense variant.
Genome position (GRCh38, 1-based): chrX:130,013,469, C>T. VCF-style: chrX-130013469-C-T. GRCh37 (hg19) VCF-style: chrX-129147445-C-T.
Other names: c.697C>T, p.His233Tyr (NM_001184772.3, NM_001379450.1, NM_021946.5); short protein forms H233Y.
Identifiers: ClinVar variation 2817294 (VCV002817294.4), dbSNP rs1929145977, ClinGen allele CA414572811.

ClinVar aggregate classification (germline): Uncertain significance. Review status: criteria provided, multiple submitters, no conflicts (2 of 4 stars). 2 submissions from 2 submitters: Uncertain significance (2). Last evaluated 2023-11-14.

Allele frequency attached by ClinVar (database versions not stated): gnomAD exomes below 0.00001.
gnomAD v4.1: 2 of 1,211,115 alleles (0.00017%); highest among the groups gnomAD compares: African/African-American, 0.0017%; no homozygotes.

Submissions (2):

GeneDx
Classification: Uncertain significance. Last evaluated: 2023-11-14. Review status: criteria provided, single submitter. Criteria: GeneDx Variant Classification Process June 2021. Collection method: clinical testing. Allele origin: germline. Affected: yes.
Comment: Not observed at significant frequency in large population cohorts (gnomAD); In silico analysis supports that this missense variant does not alter protein structure/function; Has not been previously published as pathogenic or benign to our knowledge

Labcorp Genetics (formerly Invitae), Labcorp
Classification: Uncertain significance. Last evaluated: 2022-11-30. Review status: criteria provided, single submitter. Criteria: Invitae Variant Classification Sherloc (09022015). Collection method: clinical testing. Allele origin: germline.
Comment: This sequence change replaces histidine, which is basic and polar, with tyrosine, which is neutral and polar, at codon 233 of the BCORL1 protein (p.His233Tyr). This variant is not present in population databases (gnomAD no frequency). This variant has not been reported in the literature in individuals affected with BCORL1-related conditions. Algorithms developed to predict the effect of missense changes on protein structure and function are either unavailable or do not agree on the potential impact of this missense change (SIFT: "Tolerated"; PolyPhen-2: "Not Available"; Align-GVGD: "Class C0"). In summary, the available evidence is currently insufficient to determine the role of this variant in disease. Therefore, it has been classified as a Variant of Uncertain Significance.